The following is an entry in ClinVar:

ClinVar aggregate classification (germline): Uncertain significance. Review status: criteria provided, multiple submitters, no conflicts (2 of 4 stars). 2 submissions from 2 submitters: Uncertain significance (2). Last evaluated 2025-06-18.

Conditions:
Hereditary cancer-predisposing syndrome. Also called: Hereditary Cancer Syndrome; Hereditary neoplastic syndrome; Tumor predisposition; Neoplastic Syndromes, Hereditary. Identifiers: Orphanet 140162, MedGen C0027672, MeSH D009386, MONDO:0015356.

Allele frequency attached by ClinVar (database versions not stated): TOPMed below 0.00001; gnomAD exomes 0.00003; ExAC 0.00005.
gnomAD v4.1: 13 of 1,614,094 alleles (0.00081%); highest among the groups gnomAD compares: South Asian, 0.013%; 1 homozygote.

Submissions (2):

Labcorp Genetics (formerly Invitae), Labcorp
Classification: Uncertain significance. Last evaluated: 2025-06-18. Review status: criteria provided, single submitter. Criteria: Invitae Variant Classification Sherloc (09022015). Collection method: clinical testing. Allele origin: germline.
Comment: This sequence change replaces threonine, which is neutral and polar, with arginine, which is basic and polar, at codon 937 of the MSH3 protein (p.Thr937Arg). This variant is present in population databases (rs777318930, gnomAD 0.02%). This variant has not been reported in the literature in individuals affected with MSH3-related conditions. ClinVar contains an entry for this variant (Variation ID: 1399665). An algorithm developed to predict the effect of missense changes on protein structure and function (PolyPhen-2) suggests that this variant is likely to be disruptive. In summary, the available evidence is currently insufficient to determine the role of this variant in disease. Therefore, it has been classified as a Variant of Uncertain Significance.

Ambry Genetics
Classification: Uncertain significance for Hereditary cancer-predisposing syndrome. Last evaluated: 2024-03-12. Review status: criteria provided, single submitter. Criteria: Ambry Variant Classification Scheme 2023. Collection method: clinical testing. Allele origin: germline.
Comment: The p.T937R variant (also known as c.2810C>G), located in coding exon 20 of the MSH3 gene, results from a C to G substitution at nucleotide position 2810. The threonine at codon 937 is replaced by arginine, an amino acid with similar properties. This amino acid position is conserved. In addition, this alteration is predicted to be deleterious by in silico analysis. Based on the available evidence, the clinical significance of this alteration remains unclear.

NM_002439.5(MSH3):c.2810C>G (p.Thr937Arg)

Gene: MSH3 (mutS homolog 3; plus strand). Cytogenetic location: 5q14.1.
Variant type: single nucleotide variant.
Coding change: c.2810C>G on transcript NM_002439.5 (MANE Select); coding-DNA position 2810, C replaced by G.
Protein change: p.Thr937Arg; replaces threonine 937 with arginine.
Molecular consequence: missense variant.
Genome position (GRCh38, 1-based): chr5:80,813,738, C>G. VCF-style: chr5-80813738-C-G. GRCh37 (hg19) VCF-style: chr5-80109557-C-G.
Other names: c.2810C>G (NM_002439.3); short protein forms T937R.
Identifiers: ClinVar variation 1399665 (VCV001399665.7), dbSNP rs777318930, ClinGen allele CA3328361.